The following is an entry in ClinVar:

ClinVar aggregate classification (germline): Likely benign. Review status: criteria provided, multiple submitters, no conflicts (2 of 4 stars). 2 submissions from 2 submitters: Likely benign (2). Last evaluated 2024-02-24.

Conditions:
Hypertrophic cardiomyopathy. Also called: HYPERTROPHIC MYOCARDIOPATHY. Identifiers: Orphanet 217569, MedGen C0007194, MeSH D002312, MONDO:0005045, HP:0001639.
Cardiomyopathy (CMYO). Also called: Cardiomyopathies. Identifiers: Orphanet 167848, MedGen C0878544, MONDO:0004994, HP:0001638. Inheritance: Various modes of inheritance.

Allele frequency attached by ClinVar (database versions not stated): gnomAD exomes 0.00001.
gnomAD v4.1: 8 of 1,611,266 alleles (0.0005%); highest among the groups gnomAD compares: Non-Finnish European, 0.00059%; no homozygotes.

Submissions (2):

Labcorp Genetics (formerly Invitae), Labcorp
Classification: Likely benign for Hypertrophic cardiomyopathy. Last evaluated: 2024-02-24. Review status: criteria provided, single submitter. Criteria: Invitae Variant Classification Sherloc (09022015). Collection method: clinical testing. Allele origin: germline.

All of Us Research Program, National Institutes of Health
Classification: Likely benign for Cardiomyopathy. Last evaluated: 2023-12-01. Review status: criteria provided, single submitter. Criteria: ACMG Guidelines, 2015. Collection method: clinical testing. Allele origin: germline. Inheritance: Autosomal dominant inheritance. Observed: 2 variant alleles, 2 heterozygotes.
Comment: This study involves interpretation of variants in research participants for the purpose of population health screening. Participant phenotype was not available at the time of variant classification. Additional details can be found in publication PMID: 35346344, PMCID: PMC8962531

NM_000257.4(MYH7):c.5560-5C>T

Gene: MYH7 (myosin heavy chain 7; minus strand). Cytogenetic location: 14q11.2.
Variant type: single nucleotide variant.
Coding change: c.5560-5C>T on transcript NM_000257.4 (MANE Select); 5 bases into the intron before coding-DNA position 5560, C replaced by T.
Molecular consequence: intron variant.
Genome position (GRCh38, 1-based): chr14:23,414,107, G>A on the plus strand (C>T on the coding strand, the complement: MYH7 is on the minus strand). VCF-style: chr14-23414107-G-A. GRCh37 (hg19) VCF-style: chr14-23883316-G-A.
Identifiers: ClinVar variation 1386794 (VCV001386794.7), dbSNP rs1892086046, ClinGen allele CA2573149767.